The following is an entry in ClinVar:

NM_175737.4(KLB):c.1050C>T (p.Ser350=)

Gene: KLB (klotho beta; plus strand). Cytogenetic location: 4p14.
Variant type: single nucleotide variant.
Coding change: c.1050C>T on transcript NM_175737.4 (MANE Select); coding-DNA position 1050, C replaced by T.
Protein change: p.Ser350=; no amino-acid change (serine 350 retained).
Molecular consequence: synonymous variant.
Genome position (GRCh38, 1-based): chr4:39,434,434, C>T. VCF-style: chr4-39434434-C-T. GRCh37 (hg19) VCF-style: chr4-39436054-C-T.
Other names: c.1050C>T (NM_175737.3).
Identifiers: ClinVar variation 1639582 (VCV001639582.10), dbSNP rs147899701, ClinGen allele CA2893764.

ClinVar aggregate classification (germline): Likely benign. Review status: criteria provided, single submitter (1 of 4 stars). 2 submissions from 2 submitters: Likely benign (1). 1 of the submissions does not count toward it. Last evaluated 2025-10-18.

Conditions:
KLB-related disorder. Also called: KLB-related condition.

Allele frequency attached by ClinVar (database versions not stated): 1000 Genomes Project 30x 0.00031; TOPMed 0.00078; gnomAD 0.00080 and 0.00082; ExAC 0.00091; ESP Exome Variant Server 0.00161.
gnomAD v4.1: 1,935 of 1,614,114 alleles (0.12%); highest among the groups gnomAD compares: Non-Finnish European, 0.16%; 2 homozygotes.

Submissions (2):

Labcorp Genetics (formerly Invitae), Labcorp
Classification: Likely benign. Last evaluated: 2025-10-18. Review status: criteria provided, single submitter. Criteria: Invitae Variant Classification Sherloc (09022015). Collection method: clinical testing. Allele origin: germline.

PreventionGenetics, part of Exact Sciences
Classification: Likely benign for KLB-related condition. Last evaluated: 2019-05-22. Review status: no assertion criteria provided. Collection method: clinical testing. Allele origin: germline. Not counted in ClinVar's aggregate classification.
Comment: This variant is classified as likely benign based on ACMG/AMP sequence variant interpretation guidelines (Richards et al. 2015 PMID: 25741868, with internal and published modifications).